The following is an entry in ClinVar:

ClinVar aggregate classification (germline): Uncertain significance (1 of 4 stars; one submission).

Conditions:
Kabuki syndrome. Also called: NIIKAWA-KUROKI SYNDROME; Kabuki make-up syndrome. Identifiers: Orphanet 2322, MedGen C0796004, MONDO:0016512.

Submission:

Labcorp Genetics (formerly Invitae), Labcorp
Classification: Uncertain significance for Kabuki syndrome. Last evaluated: 2025-04-10. Review status: criteria provided, single submitter. Criteria: Invitae Variant Classification Sherloc (09022015). Collection method: clinical testing. Allele origin: germline.
Comment: This sequence change replaces alanine, which is neutral and non-polar, with valine, which is neutral and non-polar, at codon 3219 of the KMT2D protein (p.Ala3219Val). This variant is not present in population databases (gnomAD no frequency). This variant has not been reported in the literature in individuals affected with KMT2D-related conditions. Invitae Evidence Modeling of protein sequence and biophysical properties (such as structural, functional, and spatial information, amino acid conservation, physicochemical variation, residue mobility, and thermodynamic stability) indicates that this missense variant is not expected to disrupt KMT2D protein function with a negative predictive value of 95%. In summary, the available evidence is currently insufficient to determine the role of this variant in disease. Therefore, it has been classified as a Variant of Uncertain Significance.

NM_003482.4(KMT2D):c.9656C>T (p.Ala3219Val)

Gene: KMT2D (lysine methyltransferase 2D; minus strand). Cytogenetic location: 12q13.12.
Variant type: single nucleotide variant.
Coding change: c.9656C>T on transcript NM_003482.4 (MANE Select); coding-DNA position 9656, C replaced by T.
Protein change: p.Ala3219Val; replaces alanine 3219 with valine.
Molecular consequence: missense variant.
Genome position (GRCh38, 1-based): chr12:49,037,700, G>A on the plus strand (C>T on the coding strand, the complement: KMT2D is on the minus strand). VCF-style: chr12-49037700-G-A. GRCh37 (hg19) VCF-style: chr12-49431483-G-A.
Other names: short protein forms A3219V.
Identifiers: ClinVar variation 4709255 (VCV004709255.1).